The following is an entry in ClinVar:

NM_000070.3(CAPN3):c.1328C>T (p.Ser443Phe)

Gene: CAPN3 (calpain 3; plus strand). Cytogenetic location: 15q15.1.
Variant type: single nucleotide variant.
Coding change: c.1328C>T on transcript NM_000070.3 (MANE Select); coding-DNA position 1328, C replaced by T.
Protein change: p.Ser443Phe; replaces serine 443 with phenylalanine.
Molecular consequence: missense variant.
Genome position (GRCh38, 1-based): chr15:42,399,626, C>T. VCF-style: chr15-42399626-C-T. GRCh37 (hg19) VCF-style: chr15-42691824-C-T.
Other names: c.1328C>T, p.Ser443Phe (NM_024344.2); c.1184C>T, p.Ser395Phe (NM_173087.2); short protein forms S443F, S395F.
Identifiers: ClinVar variation 640086 (VCV000640086.9), dbSNP rs1471965884, ClinGen allele CA391999598.

ClinVar aggregate classification (germline): Uncertain significance (1 of 4 stars; one submission).

Conditions:
Autosomal recessive limb-girdle muscular dystrophy type 2A (LGMDR1). Also called: LEYDEN-MOEBIUS MUSCULAR DYSTROPHY; MUSCULAR DYSTROPHY, PELVOFEMORAL; Limb-girdle muscular dystrophy, type 2A; Muscular dystrophy, limb-girdle, type 2A, Amish; Calpainopathy. Identifiers: Orphanet 267, MedGen C1869123, MONDO:0009675, OMIM 253600. Disease mechanism: loss of function.

Allele frequency attached by ClinVar (database versions not stated): gnomAD exomes below 0.00001 and 0.00001.
gnomAD v4.1: 1 of 1,605,532 alleles (0.000062%); highest among the groups gnomAD compares: Non-Finnish European, 0.000085%; no homozygotes.

Submission:

Labcorp Genetics (formerly Invitae), Labcorp
Classification: Uncertain significance for Autosomal recessive limb-girdle muscular dystrophy type 2A. Last evaluated: 2022-02-03. Review status: criteria provided, single submitter. Criteria: Invitae Variant Classification Sherloc (09022015). Collection method: clinical testing. Allele origin: germline.
Comment: In summary, the available evidence is currently insufficient to determine the role of this variant in disease. Therefore, it has been classified as a Variant of Uncertain Significance. Algorithms developed to predict the effect of missense changes on protein structure and function are either unavailable or do not agree on the potential impact of this missense change (SIFT: "Deleterious"; PolyPhen-2: "Benign"; Align-GVGD: "Class C15"). ClinVar contains an entry for this variant (Variation ID: 640086). This missense change has been observed in individual(s) with limb-girdle muscular dystrophy (PMID: 22926650, 31127727). This variant is present in population databases (no rsID available, gnomAD 0.002%). This sequence change replaces serine, which is neutral and polar, with phenylalanine, which is neutral and non-polar, at codon 443 of the CAPN3 protein (p.Ser443Phe).

Literature cited by the submitters: PubMed 22926650; PubMed 31127727.